The following is an entry in ClinVar:

ClinVar aggregate classification (germline): Uncertain significance (1 of 4 stars; one submission).

gnomAD v4.1: 1 of 1,164,085 alleles (0.000086%); highest among the groups gnomAD compares: African/African-American, 0.0018%; no homozygotes.

Submission:

Ambry Genetics
Classification: Uncertain significance. Last evaluated: 2025-11-13. Review status: criteria provided, single submitter. Criteria: Ambry Variant Classification Scheme 2023. Collection method: clinical testing. Allele origin: germline.
Comment: The c.454A>C (p.N152H) alteration is located in exon 3 (coding exon 2) of the HS6ST2 gene. This alteration results from a A to C substitution at nucleotide position 454, causing the asparagine (N) at amino acid position 152 to be replaced by a histidine (H). Based on data from gnomAD, the C allele has an overall frequency of 0.005% (1/21561) total alleles studied. The highest observed frequency was 0.017% (1/5746) of African alleles. Based on insufficient or conflicting evidence, the clinical significance of this alteration remains unclear.

NM_001394073.1(HS6ST2):c.454A>C (p.Asn152His)

Gene: HS6ST2 (heparan sulfate 6-O-sulfotransferase 2; minus strand). Cytogenetic location: Xq26.2.
Variant type: single nucleotide variant.
Coding change: c.454A>C on transcript NM_001394073.1 (MANE Select); coding-DNA position 454, A replaced by C.
Protein change: p.Asn152His; replaces asparagine 152 with histidine.
Molecular consequence: missense variant.
Genome position (GRCh38, 1-based): chrX:132,957,301, T>G on the plus strand (A>C on the coding strand, the complement: HS6ST2 is on the minus strand). VCF-style: chrX-132957301-T-G. GRCh37 (hg19) VCF-style: chrX-132091329-T-G.
Other names: c.454A>C, p.Asn152His (NM_001077188.2, NM_001394074.1, NM_147175.4); short protein forms N152H.
Identifiers: ClinVar variation 4676981 (VCV004676981.1).